The following is an entry in ClinVar:

NM_001378452.1(ITPR1):c.7507G>A (p.Asp2503Asn)

Gene: ITPR1 (inositol 1,4,5-trisphosphate receptor type 1; plus strand). Cytogenetic location: 3p26.1.
Variant type: single nucleotide variant.
Coding change: c.7507G>A on transcript NM_001378452.1 (MANE Select); coding-DNA position 7507, G replaced by A.
Protein change: p.Asp2503Asn; replaces aspartic acid 2503 with asparagine.
Molecular consequence: missense variant.
Genome position (GRCh38, 1-based): chr3:4,813,180, G>A. VCF-style: chr3-4813180-G-A. GRCh37 (hg19) VCF-style: chr3-4854864-G-A.
Other names: c.7363G>A, p.Asp2455Asn (NM_001099952.4); c.7462G>A, p.Asp2488Asn (NM_001168272.2); c.7318G>A, p.Asp2440Asn (NM_002222.7); short protein forms D2440N, D2455N, D2488N, D2503N.
Identifiers: ClinVar variation 3378356 (VCV003378356.1).

ClinVar aggregate classification (germline): Uncertain significance (1 of 4 stars; one submission).

gnomAD v4.1: 11 of 1,613,822 alleles (0.00068%); highest among the groups gnomAD compares: East Asian, 0.0067%; no homozygotes.

Submission:

GeneDx
Classification: Uncertain significance. Last evaluated: 2024-05-13. Review status: criteria provided, single submitter. Criteria: GeneDx Variant Classification Process June 2021. Collection method: clinical testing. Allele origin: germline. Affected: yes.
Comment: In silico analysis indicates that this missense variant does not alter protein structure/function; Has not been previously published as pathogenic or benign to our knowledge